The following is an entry in ClinVar:

ClinVar aggregate classification (germline): Uncertain significance. Review status: criteria provided, multiple submitters, no conflicts (2 of 4 stars). 3 submissions from 3 submitters: Uncertain significance (3). Last evaluated 2025-11-07.

Conditions:
Cardiovascular phenotype. Identifiers: MedGen CN230736.
RASopathy. Also called: Noonan spectrum disorder; rasopathies. Identifiers: Orphanet 536391, MedGen C5555857, MONDO:0021060.

gnomAD v4.1: 1 of 1,613,354 alleles (0.000062%); highest among the groups gnomAD compares: African/African-American, 0.0013%; no homozygotes.

Submissions (3):

Ambry Genetics
Classification: Uncertain significance for Cardiovascular phenotype. Last evaluated: 2025-11-07. Review status: criteria provided, single submitter. Criteria: Ambry Variant Classification Scheme 2023. Collection method: clinical testing. Allele origin: germline.
Comment: The p.D69N variant (also known as c.205G>A), located in coding exon 2 of the SOS1 gene, results from a G to A substitution at nucleotide position 205. The aspartic acid at codon 69 is replaced by asparagine, an amino acid with highly similar properties. This amino acid position is highly conserved in available vertebrate species. In addition, the in silico prediction for this alteration is inconclusive. Based on the available evidence, the clinical significance of this variant remains unclear.

Labcorp Genetics (formerly Invitae), Labcorp
Classification: Uncertain significance for RASopathy. Last evaluated: 2025-10-15. Review status: criteria provided, single submitter. Criteria: Invitae Variant Classification Sherloc (09022015). Collection method: clinical testing. Allele origin: germline.
Comment: This sequence change replaces aspartic acid, which is acidic and polar, with asparagine, which is neutral and polar, at codon 69 of the SOS1 protein (p.Asp69Asn). This variant is not present in population databases (gnomAD no frequency). This missense change has been observed in individual(s) with SOS1-related conditions (PMID: 33100332). ClinVar contains an entry for this variant (Variation ID: 4071644). Invitae Evidence Modeling of protein sequence and biophysical properties (such as structural, functional, and spatial information, amino acid conservation, physicochemical variation, residue mobility, and thermodynamic stability) indicates that this missense variant is expected to disrupt SOS1 protein function with a positive predictive value of 80%. In summary, the available evidence is currently insufficient to determine the role of this variant in disease. Therefore, it has been classified as a Variant of Uncertain Significance.

GeneDx
Classification: Uncertain significance. Last evaluated: 2025-01-22. Review status: criteria provided, single submitter. Criteria: GeneDx Variant Classification Process June 2021. Collection method: clinical testing. Allele origin: germline. Affected: yes.
Comment: Not observed at significant frequency in large population cohorts (gnomAD); Missense variants in this gene are a common cause of disease and they are underrepresented in the general population; In silico analysis supports that this missense variant has a deleterious effect on protein structure/function; Identified in a product of conception; fetus also harbored homozygous variant in TTC21B (PMID: 33100332); This variant is associated with the following publications: (PMID: 29493581, 33100332)

Literature cited by the submitters: PubMed 33100332 (cited by Labcorp Genetics (formerly Invitae), Labcorp).

NM_005633.4(SOS1):c.205G>A (p.Asp69Asn)

Gene: SOS1 (SOS Ras/Rac guanine nucleotide exchange factor 1; minus strand). Cytogenetic location: 2p22.1.
Variant type: single nucleotide variant.
Coding change: c.205G>A on transcript NM_005633.4 (MANE Select); coding-DNA position 205, G replaced by A.
Protein change: p.Asp69Asn; replaces aspartic acid 69 with asparagine.
Molecular consequence: missense variant.
Genome position (GRCh38, 1-based): chr2:39,067,636, C>T on the plus strand (G>A on the coding strand, the complement: SOS1 is on the minus strand). VCF-style: chr2-39067636-C-T. GRCh37 (hg19) VCF-style: chr2-39294777-C-T.
Other names: c.184G>A, p.Asp62Asn (NM_001382394.1); c.205G>A, p.Asp69Asn (NM_001382395.1); short protein forms D62N, D69N.
Identifiers: ClinVar variation 4071644 (VCV004071644.3).
Genomic context (GRCh38, chr2:39,067,636, plus strand): 5'-AACCAACACACAAATTAGATATAAAGTAAATACAAGACAACATTTGTCATACCTCTACAT[C>T]TGAAGCACTTCGGGGCTGAGCTTGGCATAGCATATTTAATAATTGCAAAATTAATTCTTC-3'
Protein context (NP_005624.2, residues 59-79): LCQAQPRSAS[Asp69Asn]VEERVQKSFP